The following is an entry in ClinVar:

NM_024675.4(PALB2):c.3315G>A (p.Val1105=)

Gene: PALB2 (partner and localizer of BRCA2; minus strand). Cytogenetic location: 16p12.2.
Variant type: single nucleotide variant.
Coding change: c.3315G>A on transcript NM_024675.4 (MANE Select); coding-DNA position 3315, G replaced by A.
Protein change: p.Val1105=; no amino-acid change (valine 1105 retained).
Molecular consequence: synonymous variant. On other transcripts: intron variant (8).
Genome position (GRCh38, 1-based): chr16:23,607,899, C>T on the plus strand (G>A on the coding strand, the complement: PALB2 is on the minus strand). VCF-style: chr16-23607899-C-T. GRCh37 (hg19) VCF-style: chr16-23619220-C-T.
Other names: c.3036G>A, p.Val1012= (NM_001407300.1); c.2430G>A, p.Val810= (NM_001407304.1, NM_001407305.1, NM_001407306.1); c.3255G>A, p.Val1085= (NM_001407296.1); c.3243G>A, p.Val1081= (NM_001407297.1); c.3153G>A, p.Val1051= (NM_001407298.1); c.2268G>A, p.Val756= (NM_001407307.1); c.1527G>A, p.Val509= (NM_001407312.1); c.849G>A, p.Val283= (NM_001407314.1); and 6 more.
Identifiers: ClinVar variation 1730129 (VCV001730129.4), dbSNP rs2142271728, ClinGen allele CA494175510.

ClinVar aggregate classification (germline): Conflicting classifications of pathogenicity. Review status: criteria provided, conflicting classifications (1 of 4 stars). 3 submissions from 3 submitters: Uncertain significance (1); Benign (1); Likely benign (1). Last evaluated 2025-01-22.

Conditions:
Hereditary cancer-predisposing syndrome. Also called: Neoplastic Syndromes, Hereditary; Tumor predisposition; Hereditary Cancer Syndrome; Hereditary neoplastic syndrome. Identifiers: Orphanet 140162, MedGen C0027672, MeSH D009386, MONDO:0015356.
Familial cancer of breast. Also called: BREAST CANCER, FAMILIAL; Hereditary breast cancer; hereditary breast carcinoma. Identifiers: Orphanet 227535, MedGen C0346153, MONDO:0016419, OMIM 114480. Disease mechanism: loss of function.

Submissions (3):

Myriad Genetics, Inc.
Classification: Benign for Familial cancer of breast. Last evaluated: 2025-01-22. Review status: criteria provided, single submitter. Criteria: Myriad Autosomal Dominant, Autosomal Recessive and X-Linked Classification Criteria (2023). Collection method: clinical testing. Allele origin: unknown.
Comment: This variant is considered benign. This variant is a silent/synonymous amino acid change and it is not expected to impact splicing.

Labcorp Genetics (formerly Invitae), Labcorp
Classification: Uncertain significance for Familial cancer of breast. Last evaluated: 2023-06-20. Review status: criteria provided, single submitter. Criteria: Invitae Variant Classification Sherloc (09022015). Collection method: clinical testing. Allele origin: germline.
Comment: This sequence change affects codon 1105 of the PALB2 mRNA. It is a 'silent' change, meaning that it does not change the encoded amino acid sequence of the PALB2 protein. In summary, the available evidence is currently insufficient to determine the role of this variant in disease. Therefore, it has been classified as a Variant of Uncertain Significance. Algorithms developed to predict the effect of sequence changes on RNA splicing suggest that this variant may disrupt the consensus splice site. ClinVar contains an entry for this variant (Variation ID: 1730129). This variant has not been reported in the literature in individuals affected with PALB2-related conditions. This variant is not present in population databases (gnomAD no frequency).

Ambry Genetics
Classification: Likely benign for Hereditary cancer-predisposing syndrome. Last evaluated: 2019-12-31. Review status: criteria provided, single submitter. Criteria: Ambry Variant Classification Scheme 2023. Collection method: clinical testing. Allele origin: germline.